The following is an entry in ClinVar:

ClinVar aggregate classification (germline): Conflicting classifications of pathogenicity. Review status: criteria provided, conflicting classifications (1 of 4 stars). 2 submissions from 2 submitters: Uncertain significance (1); Likely benign (1). Last evaluated 2024-05-11.

Conditions:
Hereditary cancer-predisposing syndrome. Also called: Tumor predisposition; Neoplastic Syndromes, Hereditary; Hereditary neoplastic syndrome; Hereditary Cancer Syndrome. Identifiers: Orphanet 140162, MedGen C0027672, MeSH D009386, MONDO:0015356.
Gastrointestinal stromal tumor. Also called: Gastrointestinal stromal tumor, somatic; Gastrointestinal stroma tumor. Identifiers: Orphanet 44890, MedGen C0238198, MeSH D046152, MONDO:0011719, OMIM 606764, HP:0100723.

Allele frequency attached by ClinVar (database versions not stated): gnomAD exomes below 0.00001.
gnomAD v4.1: 4 of 1,614,218 alleles (0.00025%); highest among the groups gnomAD compares: South Asian, 0.0044%; no homozygotes.

Submissions (2):

Ambry Genetics
Classification: Likely benign for Hereditary cancer-predisposing syndrome. Last evaluated: 2024-05-11. Review status: criteria provided, single submitter. Criteria: Ambry Variant Classification Scheme 2023. Collection method: clinical testing. Allele origin: germline.

Labcorp Genetics (formerly Invitae), Labcorp
Classification: Uncertain significance for Gastrointestinal stromal tumor. Last evaluated: 2024-04-17. Review status: criteria provided, single submitter. Criteria: Invitae Variant Classification Sherloc (09022015). Collection method: clinical testing. Allele origin: germline.
Comment: This sequence change replaces isoleucine, which is neutral and non-polar, with valine, which is neutral and non-polar, at codon 315 of the PDGFRA protein (p.Ile315Val). This variant is not present in population databases (gnomAD no frequency). This variant has not been reported in the literature in individuals affected with PDGFRA-related conditions. ClinVar contains an entry for this variant (Variation ID: 1058519). Algorithms developed to predict the effect of missense changes on protein structure and function output the following: SIFT: "Not Available"; PolyPhen-2: "Benign"; Align-GVGD: "Not Available". The valine amino acid residue is found in multiple mammalian species, which suggests that this missense change does not adversely affect protein function. In summary, the available evidence is currently insufficient to determine the role of this variant in disease. Therefore, it has been classified as a Variant of Uncertain Significance.

NM_006206.6(PDGFRA):c.943A>G (p.Ile315Val)

Gene: PDGFRA (platelet derived growth factor receptor alpha; plus strand). Cytogenetic location: 4q12.
Variant type: single nucleotide variant.
Coding change: c.943A>G on transcript NM_006206.6 (MANE Select); coding-DNA position 943, A replaced by G.
Protein change: p.Ile315Val; replaces isoleucine 315 with valine.
Molecular consequence: missense variant.
Genome position (GRCh38, 1-based): chr4:54,267,563, A>G. VCF-style: chr4-54267563-A-G. GRCh37 (hg19) VCF-style: chr4-55133730-A-G.
Other names: c.943A>G (NM_006206.4); c.943A>G, p.Ile315Val (NM_001347827.2, NM_001347829.2); c.1018A>G, p.Ile340Val (NM_001347828.2); c.982A>G, p.Ile328Val (NM_001347830.2); short protein forms I315V, I328V, I340V.
Identifiers: ClinVar variation 1058519 (VCV001058519.10), dbSNP rs2110266368, ClinGen allele CA356891457.